The following is an entry in ClinVar:

NM_006516.4(SLC2A1):c.1162T>C (p.Trp388Arg)

Gene: SLC2A1 (solute carrier family 2 member 1; minus strand). Cytogenetic location: 1p34.2.
Variant type: single nucleotide variant.
Coding change: c.1162T>C on transcript NM_006516.4 (MANE Select); coding-DNA position 1162, T replaced by C.
Protein change: p.Trp388Arg; replaces tryptophan 388 with arginine.
Molecular consequence: missense variant.
Genome position (GRCh38, 1-based): chr1:42,927,721, A>G on the plus strand (T>C on the coding strand, the complement: SLC2A1 is on the minus strand). VCF-style: chr1-42927721-A-G. GRCh37 (hg19) VCF-style: chr1-43393392-A-G.
Other names: short protein forms W388R.
Identifiers: ClinVar variation 1056847 (VCV001056847.9), dbSNP rs2124446437, ClinGen allele CA339953954.

ClinVar aggregate classification (germline): Uncertain significance (1 of 4 stars; one submission).

Conditions:
GLUT1 deficiency syndrome 1, autosomal recessive. Identifiers: MedGen C3149117.

Submission:

Labcorp Genetics (formerly Invitae), Labcorp
Classification: Uncertain significance for GLUT1 deficiency syndrome 1, autosomal recessive. Last evaluated: 2020-01-21. Review status: criteria provided, single submitter. Criteria: Invitae Variant Classification Sherloc (09022015). Collection method: clinical testing. Allele origin: germline.
Comment: This sequence change replaces tryptophan with arginine at codon 388 of the SLC2A1 protein (p.Trp388Arg). The tryptophan residue is moderately conserved and there is a moderate physicochemical difference between tryptophan and arginine. In summary, the available evidence is currently insufficient to determine the role of this variant in disease. Therefore, it has been classified as a Variant of Uncertain Significance. Algorithms developed to predict the effect of missense changes on protein structure and function are either unavailable or do not agree on the potential impact of this missense change (SIFT: "Deleterious"; PolyPhen-2: "Probably Damaging"; Align-GVGD: "Class C0"). This variant has not been reported in the literature in individuals with SLC2A1-related conditions. This variant is not present in population databases (ExAC no frequency).